The following is an entry in ClinVar:

NM_000059.4(BRCA2):c.6681dup (p.Val2228fs)

Gene: BRCA2 (BRCA2 DNA repair associated; plus strand). Cytogenetic location: 13q13.1.
Variant type: Duplication.
Coding change: c.6681dup on transcript NM_000059.4 (MANE Select); coding-DNA position 6681, one base duplicated (A; older notation c.6681dupA).
Protein change: p.Val2228fs; shifts the reading frame from valine 2228.
Molecular consequence: frameshift variant.
Genome position (GRCh38, 1-based): chr13:32,341,036, A duplicated. VCF-style (leftmost placement, unchanged base first): chr13-32341035-C-CA. GRCh37 (hg19) VCF-style: chr13-32915172-C-CA.
Other names: c.6681dupA (NM_000059.3); short protein forms V2228fs.
Identifiers: ClinVar variation 441419 (VCV000441419.13), dbSNP rs1555284790, ClinGen allele CA658653670.

ClinVar aggregate classification (germline): Pathogenic. Review status: reviewed by expert panel (3 of 4 stars). 5 submissions from 5 submitters: Pathogenic (1). 4 of the submissions do not count toward it. Last evaluated 2017-12-15.

Conditions:
Breast-ovarian cancer, familial, susceptibility to, 2 (BROVCA2). Also called: BRCA2 Hereditary Breast and Ovarian Cancer. Identifiers: Orphanet 145, MedGen C2675520, MONDO:0012933, OMIM 612555. Disease mechanism: loss of function.
Hereditary cancer-predisposing syndrome. Also called: Hereditary Cancer Syndrome; Hereditary neoplastic syndrome; Tumor predisposition; Neoplastic Syndromes, Hereditary. Identifiers: Orphanet 140162, MedGen C0027672, MeSH D009386, MONDO:0015356.
Familial cancer of breast. Also called: hereditary breast carcinoma; BREAST CANCER, FAMILIAL; Hereditary breast cancer. Identifiers: Orphanet 227535, MedGen C0346153, MONDO:0016419, OMIM 114480. Disease mechanism: loss of function.
Hereditary breast ovarian cancer syndrome. Also called: Hereditary breast and ovarian cancer syndrome; BRCA1- and BRCA2-Associated Hereditary Breast and Ovarian Cancer; Hereditary breast and ovarian cancer syndrome (HBOC); Hereditary breast and/or ovarian cancer syndrome; Hereditary breast and ovarian cancer; Breast and ovarian cancer. Identifiers: Orphanet 145, MedGen C0677776, MeSH D061325, MONDO:0003582. Disease mechanism: loss of function.

Allele frequency attached by ClinVar (database versions not stated): TOPMed below 0.00001.

Submissions (5):

Evidence-based Network for the Interpretation of Germline Mutant Alleles (ENIGMA)
Classification: Pathogenic for Breast-ovarian cancer, familial, susceptibility to, 2. Last evaluated: 2017-12-15. Review status: reviewed by expert panel. Criteria: ENIGMA BRCA1/2 Classification Criteria (2017-06-29). Collection method: curation. Allele origin: germline. Study: ENIGMA.
Comment: Variant allele predicted to encode a truncated non-functional protein.

Baylor Genetics
Classification: Likely pathogenic for Familial cancer of breast. Last evaluated: 2023-02-09. Review status: criteria provided, single submitter. Criteria: ACMG Guidelines, 2015. Collection method: clinical testing. Allele origin: unknown. Not counted in ClinVar's aggregate classification.

Labcorp Genetics (formerly Invitae), Labcorp
Classification: Pathogenic for Hereditary breast ovarian cancer syndrome. Last evaluated: 2021-09-04. Review status: criteria provided, single submitter. Criteria: Invitae Variant Classification Sherloc (09022015). Collection method: clinical testing. Allele origin: germline. Not counted in ClinVar's aggregate classification.
Comment: This sequence change creates a premature translational stop signal (p.Val2228Serfs*5) in the BRCA2 gene. It is expected to result in an absent or disrupted protein product. Loss-of-function variants in BRCA2 are known to be pathogenic (PMID: 20104584). This variant is not present in population databases (ExAC no frequency). This variant has not been reported in the literature in individuals affected with BRCA2-related conditions. ClinVar contains an entry for this variant (Variation ID: 441419). For these reasons, this variant has been classified as Pathogenic.

Sema4
Classification: Likely pathogenic for Hereditary cancer-predisposing syndrome. Last evaluated: 2021-04-19. Review status: criteria provided, single submitter. Criteria: Sema4 Curation Guidelines. Collection method: curation. Allele origin: germline. Not counted in ClinVar's aggregate classification.
Comment: The BRCA2 c.6681dupA (p.V2228SfsX5) variant has not been reported in individuals with BRCA2-related disease in the literature, to our knowledge. This variant causes a frameshift at amino acid 2228 that results in premature termination 5 amino acids downstream. At this location, this is predicted to cause nonsense-mediated decay and result in an absent protein (loss of function). This variant is not reported in the Genome Aggregation Database (PMID: 32461654). This variant has been reported in ClinVar (Variation ID: 441419). Based on the current evidence available, this variant is interpreted as likely pathogenic.

Ambry Genetics
Classification: Pathogenic for Hereditary cancer-predisposing syndrome. Last evaluated: 2019-04-22. Review status: criteria provided, single submitter. Criteria: Ambry Variant Classification Scheme 2023. Collection method: clinical testing. Allele origin: germline. Not counted in ClinVar's aggregate classification.
Comment: The c.6681dupA pathogenic mutation, located in coding exon 10 of the BRCA2 gene, results from a duplication of A at nucleotide position 6681, causing a translational frameshift with a predicted alternate stop codon. This alteration is expected to result in loss of function by premature protein truncation or nonsense-mediated mRNA decay. As such, this alteration is interpreted as a disease-causing mutation.

Literature cited by the submitters: PubMed 20104584 (cited by Labcorp Genetics (formerly Invitae), Labcorp).